The following is an entry in ClinVar:

ClinVar aggregate classification (germline): Likely pathogenic. Review status: criteria provided, multiple submitters, no conflicts (2 of 4 stars). 2 submissions from 2 submitters: Likely pathogenic (2). Last evaluated 2025-02-12.

Conditions:
DUOXA2-related disorder. Also called: DUOXA2-related condition.
Thyroglobulin synthesis defect (TDH5). Also called: HYPOTHYROIDISM, CONGENITAL, DUE TO DYSHORMONOGENESIS, 5; THYROID HORMONOGENESIS, GENETIC DEFECT IN, 5; Thyroid dyshormonogenesis 5. Identifiers: Orphanet 95716, MedGen C0342196, MONDO:0010137, OMIM 274900.

gnomAD v4.1: 46 of 1,613,960 alleles (0.0029%); highest among the groups gnomAD compares: Non-Finnish European, 0.0037%; no homozygotes.

Submissions (2):

PreventionGenetics, part of Exact Sciences
Classification: Likely pathogenic for DUOXA2-related condition. Last evaluated: 2025-02-12. Review status: criteria provided, single submitter. Criteria: ACMG Guidelines, 2015. Collection method: clinical testing. Allele origin: germline.
Comment: The DUOXA2 c.205+1G>A variant is predicted to disrupt the GT donor site and interfere with normal splicing. To our knowledge, this variant has not been reported in the literature. This variant is reported in 0.0044% of alleles in individuals of European (Non-Finnish) descent in gnomAD. Variants that disrupt the consensus splice donor site in DUOXA2 are expected to be pathogenic. This variant is interpreted as likely pathogenic.

Fulgent Genetics
Classification: Likely pathogenic for Thyroglobulin synthesis defect. Last evaluated: 2024-03-23. Review status: criteria provided, single submitter. Criteria: ACMG Guidelines, 2015. Collection method: clinical testing. Allele origin: germline.

NM_207581.4(DUOXA2):c.205+1G>A

Gene: DUOXA2 (dual oxidase maturation factor 2; plus strand). Cytogenetic location: 15q21.1.
Variant type: single nucleotide variant.
Coding change: c.205+1G>A on transcript NM_207581.4 (MANE Select); the canonical splice donor site of the intron after coding-DNA position 205, G replaced by A.
Molecular consequence: splice donor variant.
Genome position (GRCh38, 1-based): chr15:45,115,857, G>A. VCF-style: chr15-45115857-G-A. GRCh37 (hg19) VCF-style: chr15-45408055-G-A.
Other names: c.205+1G>A (NM_207581.3).
Identifiers: ClinVar variation 3577209 (VCV003577209.2).